The following is an entry in ClinVar:

NM_001358530.2(MOCS1):c.248G>A (p.Arg83Lys)

Gene: MOCS1 (molybdenum cofactor synthesis 1; minus strand). Cytogenetic location: 6p21.2.
Variant type: single nucleotide variant.
Coding change: c.248G>A on transcript NM_001358530.2 (MANE Select); coding-DNA position 248, G replaced by A.
Protein change: p.Arg83Lys; replaces arginine 83 with lysine.
Molecular consequence: missense variant. On other transcripts: 5 prime UTR variant (1), intron variant (2).
Genome position (GRCh38, 1-based): chr6:39,927,331, C>T on the plus strand (G>A on the coding strand, the complement: MOCS1 is on the minus strand). VCF-style: chr6-39927331-C-T. GRCh37 (hg19) VCF-style: chr6-39895070-C-T.
Other names: c.248G>A, p.Arg83Lys (NM_001075098.4, NM_001358529.2, NM_005943.6); c.-14G>A (NM_001358534.2); c.-11-1486G>A (NM_001358531.2, NM_001358533.2); short protein forms R83K.
Identifiers: ClinVar variation 1996604 (VCV001996604.4), dbSNP rs2482416584, ClinGen allele CA364044956.

ClinVar aggregate classification (germline): Uncertain significance (1 of 4 stars; one submission).

Conditions:
Sulfite oxidase deficiency due to molybdenum cofactor deficiency type A. Also called: Molybdenum cofactor deficiency, complementation group A; Molybdenum Cofactor Deficiency A. Identifiers: Orphanet 308386, Orphanet 833, MedGen C1854988, MONDO:0009643, OMIM 252150.

Submission:

Labcorp Genetics (formerly Invitae), Labcorp
Classification: Uncertain significance for Sulfite oxidase deficiency due to molybdenum cofactor deficiency type A. Last evaluated: 2022-08-08. Review status: criteria provided, single submitter. Criteria: Invitae Variant Classification Sherloc (09022015). Collection method: clinical testing. Allele origin: germline.
Comment: This sequence change replaces arginine, which is basic and polar, with lysine, which is basic and polar, at codon 83 of the MOCS1 protein (p.Arg83Lys). This variant is not present in population databases (gnomAD no frequency). This variant has not been reported in the literature in individuals affected with MOCS1-related conditions. Algorithms developed to predict the effect of missense changes on protein structure and function are either unavailable or do not agree on the potential impact of this missense change (SIFT: "Not Available"; PolyPhen-2: "Probably Damaging"; Align-GVGD: "Not Available"). In summary, the available evidence is currently insufficient to determine the role of this variant in disease. Therefore, it has been classified as a Variant of Uncertain Significance.